The following is an entry in ClinVar:

ClinVar aggregate classification (germline): Uncertain significance (1 of 4 stars; one submission).

Conditions:
Cenani-Lenz syndactyly syndrome. Also called: CENANI SYNDACTYLISM; SYNDACTYLY, TYPE VII. Identifiers: Orphanet 3258, MedGen C1859309, MONDO:0008931, OMIM 212780.
Sclerosteosis 2 (SOST2). Identifiers: Orphanet 3152, MedGen C3280402, MONDO:0013679, OMIM 614305.
Congenital myasthenic syndrome 17. Identifiers: Orphanet 590, MedGen C4225377, MONDO:0014578, OMIM 616304.

Submission:

Labcorp Genetics (formerly Invitae), Labcorp
Classification: Uncertain significance for Cenani-Lenz syndactyly syndrome; Sclerosteosis 2; Congenital myasthenic syndrome 17. Last evaluated: 2022-05-09. Review status: criteria provided, single submitter. Criteria: Invitae Variant Classification Sherloc (09022015). Collection method: clinical testing. Allele origin: germline.
Comment: This variant has not been reported in the literature in individuals affected with LRP4-related conditions. In summary, the available evidence is currently insufficient to determine the role of this variant in disease. Therefore, it has been classified as a Variant of Uncertain Significance. Algorithms developed to predict the effect of missense changes on protein structure and function are either unavailable or do not agree on the potential impact of this missense change (SIFT: "Deleterious"; PolyPhen-2: "Benign"; Align-GVGD: "Class C0"). This variant is not present in population databases (gnomAD no frequency). This sequence change replaces histidine, which is basic and polar, with arginine, which is basic and polar, at codon 1378 of the LRP4 protein (p.His1378Arg).

NM_002334.4(LRP4):c.4133A>G (p.His1378Arg)

Gene: LRP4 (LDL receptor related protein 4; minus strand). Cytogenetic location: 11p11.2.
Variant type: single nucleotide variant.
Coding change: c.4133A>G on transcript NM_002334.4 (MANE Select); coding-DNA position 4133, A replaced by G.
Protein change: p.His1378Arg; replaces histidine 1378 with arginine.
Molecular consequence: missense variant.
Genome position (GRCh38, 1-based): chr11:46,874,896, T>C on the plus strand (A>G on the coding strand, the complement: LRP4 is on the minus strand). VCF-style: chr11-46874896-T-C. GRCh37 (hg19) VCF-style: chr11-46896447-T-C.
Other names: short protein forms H1378R.
Identifiers: ClinVar variation 2135855 (VCV002135855.4), dbSNP rs766928334, ClinGen allele CA380270659.